The following is an entry in ClinVar:

ClinVar aggregate classification (germline): Benign. Review status: criteria provided, multiple submitters, no conflicts (2 of 4 stars). 4 submissions from 4 submitters: Benign (4). Last evaluated 2026-02-01.

Conditions:
Retinitis pigmentosa (RP). Identifiers: Orphanet 791, MedGen C0035334, MeSH D012174, MONDO:0019200, OMIM 268000. Inheritance: Autosomal dominant, autosomal recessive and X linked inheritance.
Retinal dystrophy. Also called: Inherited retinal dystrophy. Identifiers: Orphanet 71862, MedGen C0854723, MeSH D058499, MONDO:0019118, HP:0000556.

Allele frequency attached by ClinVar (database versions not stated): gnomAD exomes 0.00285; ExAC 0.00358; ESP Exome Variant Server 0.00925; gnomAD 0.00940 and 0.00993; 1000 Genomes Project 0.01038; TOPMed 0.01080; 1000 Genomes Project 30x 0.01093.
gnomAD v4.1: 3,237 of 1,611,726 alleles (0.2%); highest among the groups gnomAD compares: African/African-American, 3.2%; 38 homozygotes.

Submissions (4):

Labcorp Genetics (formerly Invitae), Labcorp
Classification: Benign. Last evaluated: 2026-02-01. Review status: criteria provided, single submitter. Criteria: Invitae Variant Classification Sherloc (09022015). Collection method: clinical testing. Allele origin: germline.

Dept Of Ophthalmology, Nagoya University
Classification: Benign for Retinal dystrophy. Last evaluated: 2023-10-01. Review status: criteria provided, single submitter. Criteria: Submitter's publication. Collection method: research. Allele origin: germline. Affected: yes.

Illumina Laboratory Services, Illumina
Classification: Benign for Retinitis pigmentosa. Last evaluated: 2017-04-27. Review status: criteria provided, single submitter. Criteria: ICSL Variant Classification Criteria 13 December 2019. Collection method: clinical testing. Allele origin: germline.
Comment: This variant was observed as part of a predisposition screen in an ostensibly healthy population. A literature search was performed for the gene, cDNA change, and amino acid change (where applicable). No publications were found based on this search. Allele frequency data from public databases was too high to be consistent with this variant causing disease. Therefore, this variant is classified as benign.

Breakthrough Genomics
Classification: Benign. Review status: criteria provided, single submitter. Criteria: ACMG Guidelines, 2015. Collection method: not provided. Allele origin: germline. Inheritance: Unknown mechanism. Affected: yes.

NM_001029883.3(PCARE):c.3840G>A (p.Ala1280=)

Gene: PCARE (photoreceptor cilium actin regulator; minus strand). Cytogenetic location: 2p23.2.
Variant type: single nucleotide variant.
Coding change: c.3840G>A on transcript NM_001029883.3 (MANE Select); coding-DNA position 3840, G replaced by A.
Protein change: p.Ala1280=; no amino-acid change (alanine 1280 retained).
Molecular consequence: synonymous variant.
Genome position (GRCh38, 1-based): chr2:29,064,896, C>T on the plus strand (G>A on the coding strand, the complement: PCARE is on the minus strand). VCF-style: chr2-29064896-C-T. GRCh37 (hg19) VCF-style: chr2-29287762-C-T.
Identifiers: ClinVar variation 772842 (VCV000772842.16), dbSNP rs115730331, ClinGen allele CA1591816.
Genomic context (GRCh38, chr2:29,064,896, plus strand): 5'-TGACTGCGTGAGTGTGGCCCCCTCGTCAGCCTGTCAGGACACCTCCTCTTGCTGGGGCTG[C>T]GCCTCTGGCTGGGATTTGTCCTGGATGTGGCCGGTCCGAGGCTCCGGTTGCAGCCCGTGG-3'
Protein context (NP_001025054.1, residues 1270-1288): GHIQDKSQPE[Ala1280=]QPQQEEVS